The following is an entry in ClinVar:

ClinVar aggregate classification (germline): Pathogenic (1 of 4 stars; one submission).

Conditions:
Cholestanol storage disease (CTX). Also called: CEREBRAL CHOLESTERINOSIS; Cerebrotendinous Xanthomatosis; CTX: Cerebrotendinous xanthomatosis. Identifiers: Orphanet 909, MedGen C0238052, MONDO:0008948, OMIM 213700.

Submission:

Labcorp Genetics (formerly Invitae), Labcorp
Classification: Pathogenic for Cholestanol storage disease. Last evaluated: 2022-08-13. Review status: criteria provided, single submitter. Criteria: Invitae Variant Classification Sherloc (09022015). Collection method: clinical testing. Allele origin: germline.
Comment: For these reasons, this variant has been classified as Pathogenic. This variant has not been reported in the literature in individuals affected with CYP27A1-related conditions. This variant is not present in population databases (gnomAD no frequency). This sequence change creates a premature translational stop signal (p.Phe185Leufs*2) in the CYP27A1 gene. It is expected to result in an absent or disrupted protein product. Loss-of-function variants in CYP27A1 are known to be pathogenic (PMID: 9392430, 10775536, 26937392).

Literature cited by the submitters: PubMed 9392430; PubMed 10775536; PubMed 26937392.

NM_000784.4(CYP27A1):c.555del (p.Phe185fs)

Gene: CYP27A1 (cytochrome P450 family 27 subfamily A member 1; plus strand). Cytogenetic location: 2q35.
Variant type: Deletion.
Coding change: c.555del on transcript NM_000784.4 (MANE Select); coding-DNA position 555, one base deleted (T; older notation c.555delT).
Protein change: p.Phe185fs; shifts the reading frame from phenylalanine 185.
Molecular consequence: frameshift variant.
Genome position (GRCh38, 1-based): chr2:218,812,330, T deleted; the last of 3 consecutive T bases (chr2:218,812,328-218,812,330); deleting any one gives the same sequence. VCF-style (leftmost placement, unchanged base first): chr2-218812327-CT-C. GRCh37 (hg19) VCF-style: chr2-219677050-CT-C.
Other names: short protein forms F185fs.
Identifiers: ClinVar variation 2023930 (VCV002023930.4), dbSNP rs2470226536, ClinGen allele CA2580065719.
Genomic context (GRCh38, chr2:218,812,327, plus strand): 5'-GTTGCTGAAGCCAGCGGAAGCAGCGCTCTATACGGATGCTTTCAATGAGGTGATTGATGA[CT>C]TTATGACTCGACTGGACCAGCTGCGGGCAGAGAGTGCTTCGGGGAACCAGGTGTCGGACA-3'